The following is an entry in ClinVar:

ClinVar aggregate classification (germline): Likely benign (1 of 4 stars; one submission).

Conditions:
LRRC45-related disorder. Also called: LRRC45-related condition.

gnomAD v4.1: 10 of 1,573,910 alleles (0.00064%); highest among the groups gnomAD compares: East Asian, 0.023%; no homozygotes.

Submission:

PreventionGenetics, part of Exact Sciences
Classification: Likely benign for LRRC45-related condition. Last evaluated: 2026-06-23. Review status: criteria provided, single submitter. Criteria: ACMG Guidelines, 2015. Collection method: clinical testing. Allele origin: germline.
Comment: This variant is classified as likely benign based on ACMG/AMP sequence variant interpretation guidelines (Richards et al. 2015 PMID: 25741868, with internal and published modifications).

NM_144999.4(LRRC45):c.661+9C>T

Gene: LRRC45 (leucine rich repeat containing 45; plus strand). Cytogenetic location: 17q25.3.
Variant type: single nucleotide variant.
Coding change: c.661+9C>T on transcript NM_144999.4 (MANE Select); 9 bases into the intron after coding-DNA position 661, C replaced by T.
Molecular consequence: intron variant.
Genome position (GRCh38, 1-based): chr17:82,025,516, C>T. VCF-style: chr17-82025516-C-T. GRCh37 (hg19) VCF-style: chr17-79983392-C-T.
Identifiers: ClinVar variation 4989224 (VCV004989224.1).